The following is an entry in ClinVar:

NM_152703.5(SAMD9L):c.4447G>A (p.Gly1483Ser)

Gene: SAMD9L (sterile alpha motif domain containing 9 like; minus strand). Cytogenetic location: 7q21.2.
Variant type: single nucleotide variant.
Coding change: c.4447G>A on transcript NM_152703.5 (MANE Select); coding-DNA position 4447, G replaced by A.
Protein change: p.Gly1483Ser; replaces glycine 1483 with serine.
Molecular consequence: missense variant.
Genome position (GRCh38, 1-based): chr7:93,131,525, C>T on the plus strand (G>A on the coding strand, the complement: SAMD9L is on the minus strand). VCF-style: chr7-93131525-C-T. GRCh37 (hg19) VCF-style: chr7-92760838-C-T.
Other names: c.4447G>A, p.Gly1483Ser (NM_001303496.3, NM_001303497.3, NM_001303498.3 and 5 more transcripts); short protein forms G1483S.
Identifiers: ClinVar variation 5028897 (VCV005028897.1).

ClinVar aggregate classification (germline): Uncertain significance (1 of 4 stars; one submission).

Conditions:
Inborn genetic diseases. Identifiers: MedGen C0950123, MeSH D030342.

Submission:

Ambry Genetics
Classification: Uncertain significance for Inborn genetic diseases. Last evaluated: 2026-07-17. Review status: criteria provided, single submitter. Criteria: Ambry Variant Classification Scheme 2023. Collection method: clinical testing. Allele origin: germline.
Comment: The p.G1483S variant (also known as c.4447G>A), located in coding exon 1 of the SAMD9L gene, results from a G to A substitution at nucleotide position 4447. The glycine at codon 1483 is replaced by serine, an amino acid with similar properties. This amino acid position is conserved. In addition, this alteration is predicted to be tolerated by in silico analysis. Based on the available evidence, the clinical significance of this variant remains unclear.